The following is an entry in ClinVar:

NM_001205293.3(CACNA1E):c.5876A>G (p.Gln1959Arg)

Gene: CACNA1E (calcium voltage-gated channel subunit alpha1 E; plus strand). Cytogenetic location: 1q25.3.
Variant type: single nucleotide variant.
Coding change: c.5876A>G on transcript NM_001205293.3 (MANE Select); coding-DNA position 5876, A replaced by G.
Protein change: p.Gln1959Arg; replaces glutamine 1959 with arginine.
Molecular consequence: missense variant.
Genome position (GRCh38, 1-based): chr1:181,790,534, A>G. VCF-style: chr1-181790534-A-G. GRCh37 (hg19) VCF-style: chr1-181759670-A-G.
Other names: c.5876A>G, p.Gln1959Arg (NM_000721.4); c.5819A>G, p.Gln1940Arg (NM_001205294.2); short protein forms Q1940R, Q1959R.
Identifiers: ClinVar variation 3633693 (VCV003633693.2).

ClinVar aggregate classification (germline): Uncertain significance (1 of 4 stars; one submission).

Submission:

Labcorp Genetics (formerly Invitae), Labcorp
Classification: Uncertain significance. Last evaluated: 2024-12-02. Review status: criteria provided, single submitter. Criteria: Invitae Variant Classification Sherloc (09022015). Collection method: clinical testing. Allele origin: germline.
Comment: This sequence change replaces glutamine, which is neutral and polar, with arginine, which is basic and polar, at codon 1959 of the CACNA1E protein (p.Gln1959Arg). This variant is not present in population databases (gnomAD no frequency). This variant has not been reported in the literature in individuals affected with CACNA1E-related conditions. Invitae Evidence Modeling of protein sequence and biophysical properties (such as structural, functional, and spatial information, amino acid conservation, physicochemical variation, residue mobility, and thermodynamic stability) has been performed for this missense variant. However, the output from this modeling did not meet the statistical confidence thresholds required to predict the impact of this variant on CACNA1E protein function. In summary, the available evidence is currently insufficient to determine the role of this variant in disease. Therefore, it has been classified as a Variant of Uncertain Significance.